The following is an entry in ClinVar:

NM_006648.4(WNK2):c.3952G>C (p.Val1318Leu)

Gene: WNK2 (WNK lysine deficient protein kinase 2; plus strand). Cytogenetic location: 9q22.31.
Variant type: single nucleotide variant.
Coding change: c.3952G>C on transcript NM_006648.4 (MANE Select); coding-DNA position 3952, G replaced by C.
Protein change: p.Val1318Leu; replaces valine 1318 with leucine.
Molecular consequence: missense variant.
Genome position (GRCh38, 1-based): chr9:93,268,665, G>C. VCF-style: chr9-93268665-G-C. GRCh37 (hg19) VCF-style: chr9-96030947-G-C.
Other names: c.3952G>C, p.Val1318Leu (NM_001282394.3); short protein forms V1318L.
Identifiers: ClinVar variation 5031847 (VCV005031847.1).

ClinVar aggregate classification (germline): Uncertain significance (1 of 4 stars; one submission).

Submission:

Ambry Genetics
Classification: Uncertain significance. Last evaluated: 2026-07-12. Review status: criteria provided, single submitter. Criteria: Ambry Variant Classification Scheme 2023. Collection method: clinical testing. Allele origin: germline.
Comment: The p.V1318L variant (also known as c.3952G>C), located in coding exon 18 of the WNK2 gene, results from a G to C substitution at nucleotide position 3952. The valine at codon 1318 is replaced by leucine, an amino acid with highly similar properties. This amino acid position is conserved. In addition, the in silico prediction for this alteration is inconclusive. Based on the available evidence, the clinical significance of this variant remains unclear.